The following is an entry in ClinVar:

ClinVar aggregate classification (germline): Pathogenic/Likely pathogenic. Review status: criteria provided, multiple submitters, no conflicts (2 of 4 stars). 9 submissions from 9 submitters: Pathogenic (6); Likely pathogenic (1). 2 of the submissions do not count toward it. Last evaluated 2025-11-30.

Conditions:
Glycogen storage disease IIIa (GSD IIIa). Also called: Glycogen Storage Disease Type IIIa (GSD IIIa). Identifiers: MedGen C1968739.
Glycogen storage disease type III (GSD3). Also called: Cori disease; FORBES DISEASE. Identifiers: Orphanet 366, MedGen C0017922, MONDO:0009291, OMIM 232400.

Allele frequency attached by ClinVar (database versions not stated): TOPMed 0.00002; ExAC 0.00002; gnomAD 0.00001; gnomAD exomes 0.00001 and 0.00002; ESP Exome Variant Server 0.00008.
gnomAD v4.1: 13 of 1,611,320 alleles (0.00081%); highest among the groups gnomAD compares: Non-Finnish European, 0.001%; no homozygotes.

Submissions (9):

Natera, Inc.
Classification: Pathogenic for Glycogen storage disease type III. Last evaluated: 2025-11-30. Review status: criteria provided, single submitter. Criteria: Natera Variant Classification Schema (03/2026). Collection method: clinical testing. Allele origin: germline.
Comment: The c.664+3A>G variant in AGL is an intronic variant located outside the canonical splice sites. This variant is rare in the general population with a frequency below the threshold expected for the associated phenotype(s). This variant has been observed in one or more individuals affected with the associated recessive disease, as either homozygous or compound heterozygous with a second variant (PMID: 16705713, 26913919). Given the available evidence, this variant is classified as Pathogenic.

Variantyx, Inc.
Classification: Pathogenic for Glycogen storage disease type III. Last evaluated: 2025-09-16. Review status: criteria provided, single submitter. Criteria: Variantyx Assertion Criteria 2022. Collection method: clinical testing. Allele origin: maternal. Inheritance: Autosomal recessive inheritance. Affected: no.
Comment: Pathogenic variants in this gene have been associated with autosomal recessive glycogen storage disease type III. This variant (also known as IVS6+3A>G) has been reported in the homozygous or compound heterozygous state in several, unrelated affected individuals (PMID: 12442284, 26924264, 21572342, 16705713, 21691223) (PM3_Strong). Functional studies have shown that this variant causes in-frame skipping of exon 5 (also referred to as exon 6 in the literature), which is predicted to result in a deletion of 64 amino acids from position 154 to 221 of the AGL protein (PMID: 12442284) (PM4), creating a protein with significantly reduced AGL enzymatic activity (PMID: 26924264). This variant has a 0.0034% maximum allele frequency in non-founder control populations (PM2_Supporting). Based on the current evidence, this variant is classified as pathogenic for autosomal recessive glycogen storage disease type III.

Labcorp Genetics (formerly Invitae), Labcorp
Classification: Pathogenic for Glycogen storage disease type III. Last evaluated: 2025-09-10. Review status: criteria provided, single submitter. Criteria: Invitae Variant Classification Sherloc (09022015). Collection method: clinical testing. Allele origin: germline.
Comment: This sequence change falls in intron 5 of the AGL gene. It does not directly change the encoded amino acid sequence of the AGL protein. RNA analysis indicates that this variant induces altered splicing and likely results in a shortened protein product. This variant is present in population databases (rs370792293, gnomAD 0.002%). This variant has been observed in individual(s) with glycogen storage disease type III (PMID: 12442284, 16705713, 21691223). This variant is also known as IVS6 +3 A>G. ClinVar contains an entry for this variant (Variation ID: 188994). Variants that disrupt the consensus splice site are a relatively common cause of aberrant splicing (PMID: 17576681, 9536098). Studies have shown that this variant results in skipping of exon 5 (also known as exon 6), but is expected to preserve the integrity of the reading-frame (PMID: 12442284). For these reasons, this variant has been classified as Pathogenic.

Women's Health and Genetics/Laboratory Corporation of America, LabCorp
Classification: Pathogenic for Glycogen storage disease IIIa. Last evaluated: 2025-03-05. Review status: criteria provided, single submitter. Criteria: LabCorp Variant Classification Summary - May 2015. Collection method: clinical testing. Allele origin: germline.
Comment: Variant summary: AGL c.664+3A>G alters a nucleotide located close to a canonical splice site and therefore could affect mRNA splicing, leading to a significantly altered protein sequence. Several computational tools predict a significant impact on normal splicing: Three predict the variant weakens a 5' donor site. At least one publication reports experimental evidence that this variant affects mRNA splicing (Lucchiar_2002). The variant allele was found at a frequency of 1.6e-05 in 250976 control chromosomes (gnomAD). c.664+3A>G has been reported in the literature in multiple individuals affected with Glycogen Storage Disease Type IIIa (Lucchiari_2002, Lucchiari_2006, Minen_2011, Vega_2016). These data indicate that the variant is very likely to be associated with disease. The following publications have been ascertained in the context of this evaluation (PMID: 26913919, 12442284, 16705713, 21691223). ClinVar contains an entry for this variant (Variation ID: 188994). Based on the evidence outlined above, the variant was classified as pathogenic.

Baylor Genetics
Classification: Pathogenic for Glycogen storage disease type III. Last evaluated: 2024-02-14. Review status: criteria provided, single submitter. Criteria: ACMG Guidelines, 2015. Collection method: clinical testing. Allele origin: unknown.

Genomic Research Center, Shahid Beheshti University of Medical Sciences
Classification: Pathogenic for Glycogen storage disease type III. Last evaluated: 2023-11-26. Review status: criteria provided, single submitter. Criteria: ACMG Guidelines, 2015. Collection method: clinical testing. Allele origin: inherited. Affected: yes. Observed: 1 homozygote.

Genome-Nilou Lab
Classification: Likely pathogenic for Glycogen storage disease type III. Last evaluated: 2021-07-15. Review status: criteria provided, single submitter. Criteria: ACMG Guidelines, 2015. Collection method: clinical testing. Allele origin: germline. Affected: no.

Division of Human Genetics, Children's Hospital of Philadelphia
Classification: Likely pathogenic for Glycogen storage disease type III. Last evaluated: 2014-10-31. Review status: no assertion criteria provided. Collection method: research. Allele origin: germline. Study: CSER-PediSeq. Not counted in ClinVar's aggregate classification.

Counsyl
Classification: Likely pathogenic for Glycogen storage disease type III. Last evaluated: 2014-09-30. Review status: no assertion criteria provided. Collection method: literature only. Allele origin: unknown. Inheritance: Autosomal recessive inheritance. Not counted in ClinVar's aggregate classification.

Literature cited by the submitters: PubMed 16705713 (cited by 6 submitters); PubMed 26913919 (cited by Natera, Inc. and Women's Health and Genetics/Laboratory Corporation of America, LabCorp); PubMed 12442284 (cited by 5 submitters); PubMed 26924264 (cited by Variantyx, Inc.); PubMed 21572342 (cited by Variantyx, Inc.); PubMed 21691223 (cited by 4 submitters); PubMed 17576681 (cited by Labcorp Genetics (formerly Invitae), Labcorp); PubMed 9536098 (cited by Labcorp Genetics (formerly Invitae), Labcorp).

NM_000642.3(AGL):c.664+3A>G

Gene: AGL (amylo-alpha-1,6-glucosidase and 4-alpha-glucanotransferase; plus strand). Cytogenetic location: 1p21.2.
Variant type: single nucleotide variant.
Coding change: c.664+3A>G on transcript NM_000642.3 (MANE Select); 3 bases into the intron after coding-DNA position 664, A replaced by G.
Molecular consequence: intron variant.
Genome position (GRCh38, 1-based): chr1:99,864,592, A>G. VCF-style: chr1-99864592-A-G. GRCh37 (hg19) VCF-style: chr1-100330148-A-G.
Other names: c.664+3A>G (NM_000643.3, NM_000644.3, NM_001425326.1 and 3 more transcripts); c.616+3A>G (NM_000646.3); c.460+2169A>G (NM_001425328.1, NM_001425329.1); c.286+3A>G (NM_001425332.1).
Identifiers: ClinVar variation 188994 (VCV000188994.20), dbSNP rs370792293, ClinGen allele CA274226.